The following is an entry in ClinVar:

ClinVar aggregate classification (germline): Uncertain significance (1 of 4 stars; one submission).

Submission:

CeGaT Center for Human Genetics Tuebingen
Classification: Uncertain significance. Last evaluated: 2026-01-01. Review status: criteria provided, single submitter. Criteria: CeGaT Center For Human Genetics Tuebingen Variant Classification Criteria Version 2. Collection method: clinical testing. Allele origin: germline. Affected: yes. Observed: 1 variant allele.
Comment: ASH1L: PM2

NM_018489.3(ASH1L):c.3989A>C (p.His1330Pro)

Gene: ASH1L (ASH1 like histone lysine methyltransferase; minus strand). Cytogenetic location: 1q22.
Variant type: single nucleotide variant.
Coding change: c.3989A>C on transcript NM_018489.3 (MANE Select); coding-DNA position 3989, A replaced by C.
Protein change: p.His1330Pro; replaces histidine 1330 with proline.
Molecular consequence: missense variant.
Genome position (GRCh38, 1-based): chr1:155,478,881, T>G on the plus strand (A>C on the coding strand, the complement: ASH1L is on the minus strand). VCF-style: chr1-155478881-T-G. GRCh37 (hg19) VCF-style: chr1-155448672-T-G.
Other names: c.3989A>C, p.His1330Pro (NM_001366177.2); short protein forms H1330P.
Identifiers: ClinVar variation 4823170 (VCV004823170.4).
Genomic context (GRCh38, chr1:155,478,881, plus strand): 5'-CTTTTCTTTTTTAAGTCAGGTTTTCGAATGTAGTGCAAAGGGTCTAAGGGGAAAGAAGGA[T>G]GTGTATAGAAACTATTAAAGTTGATTCGAAAGATAGTTGGCAGAAGATCTCGGGGGATAA-3'
Protein context (NP_060959.2, residues 1320-1340): FRINFNSFYT[His1330Pro]PSFPLDPLHY